The following is an entry in ClinVar:

ClinVar aggregate classification (germline): Likely benign. Review status: criteria provided, multiple submitters, no conflicts (2 of 4 stars). 2 submissions from 2 submitters: Likely benign (2). Last evaluated 2026-03-23.

Conditions:
SNRNP200-related disorder. Also called: SNRNP200-related condition.

Allele frequency attached by ClinVar (database versions not stated): gnomAD exomes below 0.00001.

Submissions (2):

PreventionGenetics, part of Exact Sciences
Classification: Likely benign for SNRNP200-related condition. Last evaluated: 2026-03-23. Review status: criteria provided, single submitter. Criteria: ACMG Guidelines, 2015. Collection method: clinical testing. Allele origin: germline.
Comment: This variant is classified as likely benign based on ACMG/AMP sequence variant interpretation guidelines (Richards et al. 2015 PMID: 25741868, with internal and published modifications).

Labcorp Genetics (formerly Invitae), Labcorp
Classification: Likely benign. Last evaluated: 2024-10-08. Review status: criteria provided, single submitter. Criteria: Invitae Variant Classification Sherloc (09022015). Collection method: clinical testing. Allele origin: germline.

NM_014014.5(SNRNP200):c.2904T>C (p.Asn968=)

Gene: SNRNP200 (small nuclear ribonucleoprotein U5 subunit 200; minus strand). Cytogenetic location: 2q11.2.
Variant type: single nucleotide variant.
Coding change: c.2904T>C on transcript NM_014014.5 (MANE Select); coding-DNA position 2904, T replaced by C.
Protein change: p.Asn968=; no amino-acid change (asparagine 968 retained).
Molecular consequence: synonymous variant.
Genome position (GRCh38, 1-based): chr2:96,289,835, A>G on the plus strand (T>C on the coding strand, the complement: SNRNP200 is on the minus strand). VCF-style: chr2-96289835-A-G. GRCh37 (hg19) VCF-style: chr2-96955573-A-G.
Other names: c.2904T>C (NM_014014.4).
Identifiers: ClinVar variation 1091903 (VCV001091903.10), dbSNP rs2104348426, ClinGen allele CA427498405.